The following is an entry in ClinVar:

ClinVar aggregate classification (germline): Uncertain significance (1 of 4 stars; one submission).

Conditions:
Charcot-Marie-Tooth Neuropathy X. Identifiers: MedGen CN118851.
Combined oxidative phosphorylation deficiency. Identifiers: MedGen C4540031, MONDO:0000732.

Submission:

Labcorp Genetics (formerly Invitae), Labcorp
Classification: Uncertain significance for Charcot-Marie-Tooth Neuropathy X; Combined oxidative phosphorylation deficiency. Last evaluated: 2024-02-24. Review status: criteria provided, single submitter. Criteria: Invitae Variant Classification Sherloc (09022015). Collection method: clinical testing. Allele origin: germline.
Comment: This sequence change falls in intron 4 of the AIFM1 gene. It does not directly change the encoded amino acid sequence of the AIFM1 protein. It affects a nucleotide within the consensus splice site. This variant is not present in population databases (gnomAD no frequency). This variant has not been reported in the literature in individuals affected with AIFM1-related conditions. ClinVar contains an entry for this variant (Variation ID: 2095660). Variants that disrupt the consensus splice site are a relatively common cause of aberrant splicing (PMID: 17576681, 9536098). Algorithms developed to predict the effect of sequence changes on RNA splicing suggest that this variant is not likely to affect RNA splicing. In summary, the available evidence is currently insufficient to determine the role of this variant in disease. Therefore, it has been classified as a Variant of Uncertain Significance.

Literature cited by the submitters: PubMed 17576681; PubMed 9536098.

NM_004208.4(AIFM1):c.474+5G>A

Genes: AIFM1 (apoptosis inducing factor mitochondria associated 1; minus strand), RAB33A (RAB33A, member RAS oncogene family; plus strand). Cytogenetic location: Xq26.1.
Variant type: single nucleotide variant.
Coding change: c.474+5G>A on transcript NM_004208.4 (MANE Select); 5 bases into the intron after coding-DNA position 474, G replaced by A.
Molecular consequence: intron variant.
Genome position (GRCh38, 1-based): chrX:130,147,747, C>T on the plus strand (G>A on the coding strand, the complement: AIFM1 is on the minus strand). VCF-style: chrX-130147747-C-T. GRCh37 (hg19) VCF-style: chrX-129281722-C-T.
Other names: c.462+5G>A (NM_145812.3); c.474+5G>A (NM_001130847.4).
Identifiers: ClinVar variation 2095660 (VCV002095660.4), dbSNP rs1282803419, ClinGen allele CA2580101505.